The following is an entry in ClinVar:

ClinVar aggregate classification (germline): Uncertain significance (1 of 4 stars; one submission).

Conditions:
Congenital myasthenic syndrome 17. Identifiers: Orphanet 590, MedGen C4225377, MONDO:0014578, OMIM 616304.
Cenani-Lenz syndactyly syndrome. Also called: CENANI SYNDACTYLISM; SYNDACTYLY, TYPE VII. Identifiers: Orphanet 3258, MedGen C1859309, MONDO:0008931, OMIM 212780.
Sclerosteosis 2 (SOST2). Identifiers: Orphanet 3152, MedGen C3280402, MONDO:0013679, OMIM 614305.

Allele frequency attached by ClinVar (database versions not stated): gnomAD exomes below 0.00001.

Submission:

Labcorp Genetics (formerly Invitae), Labcorp
Classification: Uncertain significance for Cenani-Lenz syndactyly syndrome; Sclerosteosis 2; Congenital myasthenic syndrome 17. Last evaluated: 2022-07-15. Review status: criteria provided, single submitter. Criteria: Invitae Variant Classification Sherloc (09022015). Collection method: clinical testing. Allele origin: germline.
Comment: This sequence change falls in intron 15 of the LRP4 gene. It does not directly change the encoded amino acid sequence of the LRP4 protein. It affects a nucleotide within the consensus splice site. This variant is not present in population databases (gnomAD no frequency). This variant has not been reported in the literature in individuals affected with LRP4-related conditions. Variants that disrupt the consensus splice site are a relatively common cause of aberrant splicing (PMID: 17576681, 9536098). Algorithms developed to predict the effect of sequence changes on RNA splicing suggest that this variant is not likely to affect RNA splicing. In summary, the available evidence is currently insufficient to determine the role of this variant in disease. Therefore, it has been classified as a Variant of Uncertain Significance.

Literature cited by the submitters: PubMed 17576681; PubMed 9536098.

NM_002334.4(LRP4):c.2092+5A>G

Gene: LRP4 (LDL receptor related protein 4; minus strand). Cytogenetic location: 11p11.2.
Variant type: single nucleotide variant.
Coding change: c.2092+5A>G on transcript NM_002334.4 (MANE Select); 5 bases into the intron after coding-DNA position 2092, A replaced by G.
Molecular consequence: intron variant.
Genome position (GRCh38, 1-based): chr11:46,889,939, T>C on the plus strand (A>G on the coding strand, the complement: LRP4 is on the minus strand). VCF-style: chr11-46889939-T-C. GRCh37 (hg19) VCF-style: chr11-46911490-T-C.
Identifiers: ClinVar variation 2007942 (VCV002007942.4), dbSNP rs1941384099, ClinGen allele CA1969134266.
Genomic context (GRCh38, chr11:46,889,939, plus strand): 5'-CAGAGGCACCAGAGGCCACCTCAACCATGAGGCTACTTTGGCTCACCCGGTGGGCAGTTT[T>C]TTACCTGCAGGTTGGCGCTGGGGGTGCAAGGTGTGGATGTCCATAGGGAAGTGGAGTTTG-3'